The following is an entry in ClinVar:

NM_021625.5(TRPV4):c.742C>T (p.Arg248Cys)

Gene: TRPV4 (transient receptor potential cation channel subfamily V member 4; minus strand). Cytogenetic location: 12q24.11.
Variant type: single nucleotide variant.
Coding change: c.742C>T on transcript NM_021625.5 (MANE Select); coding-DNA position 742, C replaced by T.
Protein change: p.Arg248Cys; replaces arginine 248 with cysteine.
Molecular consequence: missense variant. On other transcripts: intron variant (2).
Genome position (GRCh38, 1-based): chr12:109,800,729, G>A on the plus strand (C>T on the coding strand, the complement: TRPV4 is on the minus strand). VCF-style: chr12-109800729-G-A. GRCh37 (hg19) VCF-style: chr12-110238534-G-A.
Other names: c.640C>T, p.Arg214Cys (NM_001177431.2); c.742C>T, p.Arg248Cys (NM_147204.3); c.713-1817C>T (NM_001177433.1, NM_001177428.1); short protein forms R248C, R214C.
Identifiers: ClinVar variation 881173 (VCV000881173.14), dbSNP rs370289434, ClinGen allele CA6780435.

ClinVar aggregate classification (germline): Conflicting classifications of pathogenicity. Review status: criteria provided, conflicting classifications (1 of 4 stars). 8 submissions from 3 submitters: Uncertain significance (6); Benign (1); Likely benign (1). Last evaluated 2025-12-29.

Conditions:
Charcot-Marie-Tooth disease axonal type 2C (HMSN2C). Also called: CHARCOT-MARIE-TOOTH DISEASE, AXONAL, AUTOSOMAL DOMINANT, TYPE 2C; Charcot-Marie-Tooth Neuropathy Type 2C; Charcot-Marie-Tooth Disease Type 2, TRPV4-Related (CMT2C). Identifiers: Orphanet 99937, MedGen C1853710, MONDO:0011633, OMIM 606071.
Metatropic dysplasia (MTD). Also called: Metatropic dysplasia, nonlethal dominant; METATROPIC DWARFISM; Metatropic Dysplasia, TRPV4-Related. Identifiers: Orphanet 2635, MedGen C0265281, MONDO:0007986, OMIM 156530.
Neuronopathy, distal hereditary motor, autosomal dominant 8. Also called: NEURONOPATHY, DISTAL HEREDITARY MOTOR, TYPE VIII; NEUROPATHY, DISTAL HEREDITARY MOTOR, TYPE VIII; Autosomal dominant congenital benign spinal muscular atrophy; SPINAL MUSCULAR ATROPHY, CONGENITAL BENIGN, WITH CONTRACTURES. Identifiers: Orphanet 1216, MedGen C1838492, MONDO:0010839, OMIM 600175.
Spondylometaphyseal dysplasia, Kozlowski type (SMDK). Also called: Dysmorphism arthrogryposis skeletal maturation advanced; Jequier-Kozlowski syndrome; Skeletal dysplasia Jequier-Kozlowski type; SMD Kozlowski type; Spondylometaphyseal Dysplasia, TRPV4-Related (Kozlowski Type). Identifiers: Orphanet 93314, MedGen C0265280, MONDO:0008477, OMIM 184252.
Brachyrachia (short spine dysplasia) (BCYM3). Also called: Brachyolmia Type 3; Autosomal dominant brachyolmia; BRACHYRACHIA; Brachyolmia, TRPV4-Related. Identifiers: Orphanet 93304, MedGen C0432227, MONDO:0007232, OMIM 113500.
Inborn genetic diseases. Identifiers: MedGen C0950123, MeSH D030342.
Scapuloperoneal spinal muscular atrophy (SPSMA). Also called: Scapuloperoneal Form of Spinal Muscular Atrophy; Scapuloperoneal spinal muscular atrophy, autosomal dominant; Scapuloperoneal Spinal Muscular Atrophy, TRPV4-Related; AMYOTROPHY, NEUROGENIC SCAPULOPERONEAL, NEW ENGLAND TYPE. Identifiers: Orphanet 431255, MedGen C0751335, MONDO:0008408, OMIM 181405.

Allele frequency attached by ClinVar (database versions not stated): gnomAD exomes 0.00004; gnomAD 0.00003; ESP Exome Variant Server 0.00008; ExAC 0.00002; TOPMed 0.00003.
gnomAD v4.1: 29 of 1,613,972 alleles (0.0018%); highest among the groups gnomAD compares: Admixed American, 0.012%; no homozygotes.

Submissions (8):

Labcorp Genetics (formerly Invitae), Labcorp
Classification: Uncertain significance for Charcot-Marie-Tooth disease axonal type 2C. Last evaluated: 2025-12-29. Review status: criteria provided, single submitter. Criteria: Invitae Variant Classification Sherloc (09022015). Collection method: clinical testing. Allele origin: germline.
Comment: This sequence change replaces arginine, which is basic and polar, with cysteine, which is neutral and slightly polar, at codon 248 of the TRPV4 protein (p.Arg248Cys). This variant is present in population databases (rs370289434, gnomAD 0.02%). This variant has not been reported in the literature in individuals affected with TRPV4-related conditions. ClinVar contains an entry for this variant (Variation ID: 881173). Invitae Evidence Modeling of protein sequence and biophysical properties (such as structural, functional, and spatial information, amino acid conservation, physicochemical variation, residue mobility, and thermodynamic stability) has been performed for this missense variant. However, the output from this modeling did not meet the statistical confidence thresholds required to predict the impact of this variant on TRPV4 protein function. In summary, the available evidence is currently insufficient to determine the role of this variant in disease. Therefore, it has been classified as a Variant of Uncertain Significance.

Ambry Genetics
Classification: Likely benign for Inborn genetic diseases. Last evaluated: 2020-12-03. Review status: criteria provided, single submitter. Criteria: Ambry Variant Classification Scheme 2023. Collection method: clinical testing. Allele origin: germline.

Illumina Laboratory Services, Illumina
Classification: Uncertain significance for Scapuloperoneal spinal muscular atrophy. Last evaluated: 2017-04-27. Review status: criteria provided, single submitter. Criteria: ICSL Variant Classification Criteria 13 December 2019. Collection method: clinical testing. Allele origin: germline.

Illumina Laboratory Services, Illumina
Classification: Benign for Spondylometaphyseal dysplasia, Kozlowski type. Last evaluated: 2017-04-27. Review status: criteria provided, single submitter. Criteria: ICSL Variant Classification Criteria 13 December 2019. Collection method: clinical testing. Allele origin: germline.
Comment: This variant was observed as part of a predisposition screen in an ostensibly healthy population. A literature search was performed for the gene, cDNA change, and amino acid change (where applicable). No publications were found based on this search. Allele frequency data from public databases was too high to be consistent with this variant causing disease. Therefore, this variant is classified as benign.

Illumina Laboratory Services, Illumina
Classification: Uncertain significance for Neuronopathy, distal hereditary motor, autosomal dominant 8. Last evaluated: 2017-04-27. Review status: criteria provided, single submitter. Criteria: ICSL Variant Classification Criteria 13 December 2019. Collection method: clinical testing. Allele origin: germline.

Illumina Laboratory Services, Illumina
Classification: Uncertain significance for Charcot-Marie-Tooth disease axonal type 2C. Last evaluated: 2017-04-27. Review status: criteria provided, single submitter. Criteria: ICSL Variant Classification Criteria 13 December 2019. Collection method: clinical testing. Allele origin: germline.

Illumina Laboratory Services, Illumina
Classification: Uncertain significance for Metatropic dysplasia. Last evaluated: 2017-04-27. Review status: criteria provided, single submitter. Criteria: ICSL Variant Classification Criteria 13 December 2019. Collection method: clinical testing. Allele origin: germline.

Illumina Laboratory Services, Illumina
Classification: Uncertain significance for Brachyrachia (short spine dysplasia). Last evaluated: 2017-04-27. Review status: criteria provided, single submitter. Criteria: ICSL Variant Classification Criteria 13 December 2019. Collection method: clinical testing. Allele origin: germline.